The following is an entry in ClinVar:

ClinVar aggregate classification (germline): Uncertain significance. Review status: criteria provided, multiple submitters, no conflicts (2 of 4 stars). 4 submissions from 4 submitters: Uncertain significance (4). Last evaluated 2023-04-14.

Conditions:
Neuronopathy, distal hereditary motor, autosomal dominant 8. Also called: SPINAL MUSCULAR ATROPHY, CONGENITAL BENIGN, WITH CONTRACTURES; Autosomal dominant congenital benign spinal muscular atrophy; NEURONOPATHY, DISTAL HEREDITARY MOTOR, TYPE VIII; NEUROPATHY, DISTAL HEREDITARY MOTOR, TYPE VIII. Identifiers: Orphanet 1216, MedGen C1838492, MONDO:0010839, OMIM 600175.
Inborn genetic diseases. Identifiers: MedGen C0950123, MeSH D030342.
Charcot-Marie-Tooth disease axonal type 2C (HMSN2C). Also called: Charcot-Marie-Tooth Disease Type 2, TRPV4-Related (CMT2C); CHARCOT-MARIE-TOOTH DISEASE, AXONAL, AUTOSOMAL DOMINANT, TYPE 2C; Charcot-Marie-Tooth Neuropathy Type 2C. Identifiers: Orphanet 99937, MedGen C1853710, MONDO:0011633, OMIM 606071.

Allele frequency attached by ClinVar (database versions not stated): gnomAD exomes below 0.00001; TOPMed 0.00002; gnomAD 0.00003.
gnomAD v4.1: 8 of 1,613,990 alleles (0.0005%); highest among the groups gnomAD compares: African/African-American, 0.0013%; no homozygotes.

Submissions (4):

Labcorp Genetics (formerly Invitae), Labcorp
Classification: Uncertain significance for Charcot-Marie-Tooth disease axonal type 2C. Last evaluated: 2023-04-14. Review status: criteria provided, single submitter. Criteria: Invitae Variant Classification Sherloc (09022015). Collection method: clinical testing. Allele origin: germline.
Comment: This sequence change replaces arginine, which is basic and polar, with cysteine, which is neutral and slightly polar, at codon 746 of the TRPV4 protein (p.Arg746Cys). This variant is present in population databases (rs375189134, gnomAD 0.008%). This variant has not been reported in the literature in individuals affected with TRPV4-related conditions. ClinVar contains an entry for this variant (Variation ID: 450199). Advanced modeling of protein sequence and biophysical properties (such as structural, functional, and spatial information, amino acid conservation, physicochemical variation, residue mobility, and thermodynamic stability) has been performed at Invitae for this missense variant, however the output from this modeling did not meet the statistical confidence thresholds required to predict the impact of this variant on TRPV4 protein function. In summary, the available evidence is currently insufficient to determine the role of this variant in disease. Therefore, it has been classified as a Variant of Uncertain Significance.

Ambry Genetics
Classification: Uncertain significance for Inborn genetic diseases. Last evaluated: 2021-12-21. Review status: criteria provided, single submitter. Criteria: Ambry Variant Classification Scheme 2023. Collection method: clinical testing. Allele origin: germline.
Comment: The p.R746C variant (also known as c.2236C>T), located in coding exon 13 of the TRPV4 gene, results from a C to T substitution at nucleotide position 2236. The arginine at codon 746 is replaced by cysteine, an amino acid with highly dissimilar properties. This amino acid position is well conserved in available vertebrate species. In addition, this alteration is predicted to be deleterious by in silico analysis. Since supporting evidence is limited at this time, the clinical significance of this alteration remains unclear.

GeneDx
Classification: Uncertain significance. Last evaluated: 2017-07-07. Review status: criteria provided, single submitter. Criteria: GeneDx Variant Classification (06012015). Collection method: clinical testing. Allele origin: germline. Affected: yes.
Comment: The R746C variant in the TRPV4 gene has not been reported previously as a pathogenic variant, nor as a benign variant, to our knowledge. The R746C variant is not observed in large population cohorts (Lek et al., 2016; 1000 Genomes Consortium et al., 2015; Exome Variant Server). The R746C variant is a non-conservative amino acid substitution, which is likely to impact secondary protein structure as these residues differ in polarity, charge, size and/or other properties. This substitution occurs at a position that is conserved across species. In silico analysis predicts this variant is probably damaging to the protein structure/function. We interpret R746C as a variant of uncertain significance.

Neuberg Centre For Genomic Medicine, NCGM
Classification: Uncertain significance for Neuronopathy, distal hereditary motor, autosomal dominant 8. Review status: criteria provided, single submitter. Criteria: ACMG Guidelines, 2015. Collection method: clinical testing. Allele origin: germline. Inheritance: Autosomal dominant inheritance. Affected: yes.
Comment: The missense variant p.R746C in TRPV4 (NM_021625.5) has not been reported previously as a pathogenic variant nor as a benign variant, to our knowledge. The p.Arg746Cys variant is novel (not in any individuals) in 1000 Genomes. There is a large physicochemical difference between arginine and cysteine, which is likely to impact secondary protein structure as these residues differ in polarity, charge, size and/or other properties. The p.R746C missense variant is predicted to be damaging by both SIFT and PolyPhen2. The arginine residue at codon 746 of TRPV4 is conserved in all mammalian species. The nucleotide c.2236 in TRPV4 is predicted conserved by GERP++ and PhyloP across 100 vertebrates. For these reasons, this variant has been classified as Uncertain Significance.

NM_021625.5(TRPV4):c.2236C>T (p.Arg746Cys)

Gene: TRPV4 (transient receptor potential cation channel subfamily V member 4; minus strand). Cytogenetic location: 12q24.11.
Variant type: single nucleotide variant.
Coding change: c.2236C>T on transcript NM_021625.5 (MANE Select); coding-DNA position 2236, C replaced by T.
Protein change: p.Arg746Cys; replaces arginine 746 with cysteine.
Molecular consequence: missense variant.
Genome position (GRCh38, 1-based): chr12:109,786,810, G>A on the plus strand (C>T on the coding strand, the complement: TRPV4 is on the minus strand). VCF-style: chr12-109786810-G-A. GRCh37 (hg19) VCF-style: chr12-110224615-G-A.
Other names: c.2095C>T, p.Arg699Cys (NM_001177428.2); c.2134C>T, p.Arg712Cys (NM_001177431.2); c.1915C>T, p.Arg639Cys (NM_001177433.2); c.2056C>T, p.Arg686Cys (NM_147204.3); short protein forms R746C, R712C, R639C, R686C, R699C.
Identifiers: ClinVar variation 450199 (VCV000450199.7), dbSNP rs375189134, ClinGen allele CA243496419.